The following is an entry in ClinVar:

ClinVar aggregate classification (germline): Conflicting classifications of pathogenicity. Review status: criteria provided, conflicting classifications (1 of 4 stars). 2 submissions from 2 submitters: Uncertain significance (1); Likely benign (1). Last evaluated 2025-10-15.

Conditions:
EVC2-related disorder. Also called: EVC2-related condition.
Ellis-van Creveld syndrome (EVC). Also called: Chondroectodermal dysplasia; MESOECTODERMAL DYSPLASIA. Identifiers: Orphanet 289, MedGen C0013903, MONDO:0009162, OMIM 225500.
Curry-Hall syndrome (WAD). Also called: WEYERS ACRODENTAL DYSOSTOSIS. Identifiers: Orphanet 952, MedGen C0457013, MONDO:0008673, OMIM 193530.

gnomAD v4.1: 2 of 1,613,756 alleles (0.00012%); highest among the groups gnomAD compares: Non-Finnish European, 0.00017%; no homozygotes.

Submissions (2):

Labcorp Genetics (formerly Invitae), Labcorp
Classification: Uncertain significance for Curry-Hall syndrome; Ellis-van Creveld syndrome. Last evaluated: 2025-10-15. Review status: criteria provided, single submitter. Criteria: Invitae Variant Classification Sherloc (09022015). Collection method: clinical testing. Allele origin: germline.
Comment: This sequence change falls in intron 3 of the EVC2 gene. It does not directly change the encoded amino acid sequence of the EVC2 protein. It affects a nucleotide within the consensus splice site. This variant is not present in population databases (gnomAD no frequency). This variant has not been reported in the literature in individuals affected with EVC2-related conditions. Variants that disrupt the consensus splice site are a relatively common cause of aberrant splicing (PMID: 17576681, 9536098). Algorithms developed to predict the effect of sequence changes on RNA splicing suggest that this variant may disrupt the consensus splice site. In summary, the available evidence is currently insufficient to determine the role of this variant in disease. Therefore, it has been classified as a Variant of Uncertain Significance.

PreventionGenetics, part of Exact Sciences
Classification: Likely benign for EVC2-related condition. Last evaluated: 2024-11-21. Review status: criteria provided, single submitter. Criteria: ACMG Guidelines, 2015. Collection method: clinical testing. Allele origin: germline.
Comment: This variant is classified as likely benign based on ACMG/AMP sequence variant interpretation guidelines (Richards et al. 2015 PMID: 25741868, with internal and published modifications).

Literature cited by the submitters: PubMed 17576681 (cited by Labcorp Genetics (formerly Invitae), Labcorp); PubMed 9536098 (cited by Labcorp Genetics (formerly Invitae), Labcorp).

NM_147127.5(EVC2):c.450+5G>T

Gene: EVC2 (EvC ciliary complex subunit 2; minus strand). Cytogenetic location: 4p16.2.
Variant type: single nucleotide variant.
Coding change: c.450+5G>T on transcript NM_147127.5 (MANE Select); 5 bases into the intron after coding-DNA position 450, G replaced by T.
Molecular consequence: intron variant.
Genome position (GRCh38, 1-based): chr4:5,694,330, C>A on the plus strand (G>T on the coding strand, the complement: EVC2 is on the minus strand). VCF-style: chr4-5694330-C-A. GRCh37 (hg19) VCF-style: chr4-5696057-C-A.
Other names: c.450+5G>T (NM_147127.4); c.210+5G>T (NM_001166136.2).
Identifiers: ClinVar variation 4788559 (VCV004788559.2).